The following is an entry in ClinVar:

NM_020401.4(NUP107):c.2572T>G (p.Cys858Gly)

Gene: NUP107 (nucleoporin 107; plus strand). Cytogenetic location: 12q15.
Variant type: single nucleotide variant.
Coding change: c.2572T>G on transcript NM_020401.4 (MANE Select); coding-DNA position 2572, T replaced by G.
Protein change: p.Cys858Gly; replaces cysteine 858 with glycine.
Molecular consequence: missense variant.
Genome position (GRCh38, 1-based): chr12:68,741,882, T>G. VCF-style: chr12-68741882-T-G. GRCh37 (hg19) VCF-style: chr12-69135662-T-G.
Other names: c.2485T>G, p.Cys829Gly (NM_001330192.2); short protein forms C829G, C858G.
Identifiers: ClinVar variation 3343788 (VCV003343788.1).

ClinVar aggregate classification (germline): Uncertain significance (1 of 4 stars; one submission).

Submission:

GeneDx
Classification: Uncertain significance. Last evaluated: 2023-05-22. Review status: criteria provided, single submitter. Criteria: GeneDx Variant Classification Process June 2021. Collection method: clinical testing. Allele origin: germline. Affected: yes.
Comment: In silico analysis supports that this missense variant has a deleterious effect on protein structure/function; Has not been previously published as pathogenic or benign to our knowledge